The following is an entry in ClinVar:

NM_144573.4(NEXN):c.919C>A (p.Pro307Thr)

Gene: NEXN (nexilin F-actin binding protein; plus strand). Cytogenetic location: 1p31.1.
Variant type: single nucleotide variant.
Coding change: c.919C>A on transcript NM_144573.4 (MANE Select); coding-DNA position 919, C replaced by A.
Protein change: p.Pro307Thr; replaces proline 307 with threonine.
Molecular consequence: missense variant.
Genome position (GRCh38, 1-based): chr1:77,929,370, C>A. VCF-style: chr1-77929370-C-A. GRCh37 (hg19) VCF-style: chr1-78395055-C-A.
Other names: c.727C>A, p.Pro243Thr (NM_001172309.2); short protein forms P243T, P307T.
Identifiers: ClinVar variation 2930618 (VCV002930618.3), dbSNP rs763586017, ClinGen allele CA918782.

ClinVar aggregate classification (germline): Uncertain significance (1 of 4 stars; one submission).

Conditions:
Hypertrophic cardiomyopathy 20. Identifiers: MedGen C3151267, MONDO:0013477, OMIM 613876.
Dilated cardiomyopathy 1CC (CMD1CC). Identifiers: Orphanet 154, MedGen C2751084, MONDO:0013147, OMIM 613122.

Allele frequency attached by ClinVar (database versions not stated): ExAC 0.00001; gnomAD 0.00001; gnomAD exomes 0.00003; TOPMed 0.00003.
gnomAD v4.1: 16 of 1,613,562 alleles (0.00099%); highest among the groups gnomAD compares: East Asian, 0.036%; no homozygotes.

Submission:

Labcorp Genetics (formerly Invitae), Labcorp
Classification: Uncertain significance for Dilated cardiomyopathy 1CC; Hypertrophic cardiomyopathy 20. Last evaluated: 2023-11-27. Review status: criteria provided, single submitter. Criteria: Invitae Variant Classification Sherloc (09022015). Collection method: clinical testing. Allele origin: germline.
Comment: This sequence change replaces proline, which is neutral and non-polar, with threonine, which is neutral and polar, at codon 307 of the NEXN protein (p.Pro307Thr). This variant is present in population databases (rs763586017, gnomAD 0.03%). This variant has not been reported in the literature in individuals affected with NEXN-related conditions. Advanced modeling of protein sequence and biophysical properties (such as structural, functional, and spatial information, amino acid conservation, physicochemical variation, residue mobility, and thermodynamic stability) has been performed at Invitae for this missense variant, however the output from this modeling did not meet the statistical confidence thresholds required to predict the impact of this variant on NEXN protein function. In summary, the available evidence is currently insufficient to determine the role of this variant in disease. Therefore, it has been classified as a Variant of Uncertain Significance.